The following is an entry in ClinVar:

NM_001197104.2(KMT2A):c.7100C>T (p.Ala2367Val)

Gene: KMT2A (lysine methyltransferase 2A; plus strand). Cytogenetic location: 11q23.3.
Variant type: single nucleotide variant.
Coding change: c.7100C>T on transcript NM_001197104.2 (MANE Select); coding-DNA position 7100, C replaced by T.
Protein change: p.Ala2367Val; replaces alanine 2367 with valine.
Molecular consequence: missense variant.
Genome position (GRCh38, 1-based): chr11:118,502,992, C>T. VCF-style: chr11-118502992-C-T. GRCh37 (hg19) VCF-style: chr11-118373707-C-T.
Other names: c.7190C>T, p.Ala2397Val (NM_001412597.1); c.7091C>T, p.Ala2364Val (NM_005933.4); short protein forms A2397V, A2364V, A2367V.
Identifiers: ClinVar variation 2888624 (VCV002888624.4), dbSNP rs782444743, ClinGen allele CA6304358.
Genomic context (GRCh38, chr11:118,502,992, plus strand): 5'-ATGTTAGTAAAATCGGCTCCTTTGCTGAACCCTCTTCAGTGTCGTTTTCTTCTAAAGAGG[C>T]CCTCTCCTTCCCACACCTCCATTTGAGAGGGCAAAGGAATGATCGAGACCAACACACAGA-3'
Protein context (NP_001184033.1, residues 2357-2377): PSSVSFSSKE[Ala2367Val]LSFPHLHLRG

ClinVar aggregate classification (germline): Uncertain significance. Review status: criteria provided, multiple submitters, no conflicts (2 of 4 stars). 2 submissions from 2 submitters: Uncertain significance (2). Last evaluated 2025-09-10.

Allele frequency attached by ClinVar (database versions not stated): gnomAD 0.00001; TOPMed 0.00002; gnomAD exomes 0.00005; ExAC 0.00014.
gnomAD v4.1: 32 of 1,613,896 alleles (0.002%); highest among the groups gnomAD compares: Non-Finnish European, 0.0025%; no homozygotes.

Submissions (2):

Women's Health and Genetics/Laboratory Corporation of America, LabCorp
Classification: Uncertain significance. Last evaluated: 2025-09-10. Review status: criteria provided, single submitter. Criteria: LabCorp Variant Classification Summary - May 2015. Collection method: clinical testing. Allele origin: germline.
Comment: Variant summary: KMT2A c.7100C>T (p.Ala2367Val) results in a non-conservative amino acid change in the encoded protein sequence. Algorithms developed to predict the effect of missense changes on protein structure and function are either unavailable or do not agree on the potential impact of this missense change. The variant allele was found at a frequency of 8e-05 in 251358 control chromosomes. This frequency is not significantly higher than estimated for disease-causing variants in KMT2A, allowing no conclusion about variant significance. To our knowledge, no occurrence of c.7100C>T in individuals affected with KMT2A-related conditions and no experimental evidence demonstrating its impact on protein function have been reported. ClinVar contains an entry for this variant (Variation ID: 2888624). Based on the evidence outlined above, the variant was classified as uncertain significance.

Labcorp Genetics (formerly Invitae), Labcorp
Classification: Uncertain significance. Last evaluated: 2025-03-15. Review status: criteria provided, single submitter. Criteria: Invitae Variant Classification Sherloc (09022015). Collection method: clinical testing. Allele origin: germline.
Comment: This sequence change replaces alanine, which is neutral and non-polar, with valine, which is neutral and non-polar, at codon 2367 of the KMT2A protein (p.Ala2367Val). This variant is present in population databases (rs782444743, gnomAD 0.02%). This variant has not been reported in the literature in individuals affected with KMT2A-related conditions. ClinVar contains an entry for this variant (Variation ID: 2888624). Invitae Evidence Modeling of protein sequence and biophysical properties (such as structural, functional, and spatial information, amino acid conservation, physicochemical variation, residue mobility, and thermodynamic stability) indicates that this missense variant is not expected to disrupt KMT2A protein function with a negative predictive value of 95%. In summary, the available evidence is currently insufficient to determine the role of this variant in disease. Therefore, it has been classified as a Variant of Uncertain Significance.